The following is an entry in ClinVar:

ClinVar aggregate classification (germline): Benign. Review status: criteria provided, multiple submitters, no conflicts (2 of 4 stars). 2 submissions from 2 submitters: Benign (2). Last evaluated 2018-06-16.

Allele frequency attached by ClinVar (database versions not stated): gnomAD 0.11128 and 0.11216; TOPMed 0.11173; 1000 Genomes Project 30x 0.11399; 1000 Genomes Project 0.11502.
gnomAD v4.1: 88,334 of 854,052 alleles (10%); highest among the groups gnomAD compares: African/African-American, 14%; 4,750 homozygotes.

Submissions (2):

GeneDx
Classification: Benign. Last evaluated: 2018-06-16. Review status: criteria provided, single submitter. Criteria: GeneDx Variant Classification (06012015). Collection method: clinical testing. Allele origin: germline. Affected: yes.
Comment: This variant is considered likely benign or benign based on one or more of the following criteria: it is a conservative change, it occurs at a poorly conserved position in the protein, it is predicted to be benign by multiple in silico algorithms, and/or has population frequency not consistent with disease.

Breakthrough Genomics
Classification: Benign. Review status: criteria provided, single submitter. Criteria: ACMG Guidelines, 2015. Collection method: not provided. Allele origin: germline. Inheritance: Autosomal recessive inheritance. Affected: yes.

NM_017777.4(MKS1):c.81-146G>C

Gene: MKS1 (MKS transition zone complex subunit 1; minus strand). Cytogenetic location: 17q22.
Variant type: single nucleotide variant.
Coding change: c.81-146G>C on transcript NM_017777.4 (MANE Select); 146 bases into the intron before coding-DNA position 81, G replaced by C.
Molecular consequence: intron variant.
Genome position (GRCh38, 1-based): chr17:58,218,875, C>G on the plus strand (G>C on the coding strand, the complement: MKS1 is on the minus strand). VCF-style: chr17-58218875-C-G. GRCh37 (hg19) VCF-style: chr17-56296236-C-G.
Other names: c.-431-146G>C (NM_001321268.2); c.81-146G>C (NM_001330397.2, NM_001321269.2).
Identifiers: ClinVar variation 683186 (VCV000683186.2), dbSNP rs12051662, ClinGen allele CA15899911.